The following is an entry in ClinVar:

NM_000052.7(ATP7A):c.2761G>A (p.Glu921Lys)

Gene: ATP7A (ATPase copper transporting alpha; plus strand). Cytogenetic location: Xq21.1.
Variant type: single nucleotide variant.
Coding change: c.2761G>A on transcript NM_000052.7 (MANE Select); coding-DNA position 2761, G replaced by A.
Protein change: p.Glu921Lys; replaces glutamic acid 921 with lysine.
Molecular consequence: missense variant.
Genome position (GRCh38, 1-based): chrX:78,020,378, G>A. VCF-style: chrX-78020378-G-A. GRCh37 (hg19) VCF-style: chrX-77275875-G-A.
Other names: c.2761G>A (NM_000052.4); c.2527G>A, p.Glu843Lys (NM_001282224.2); short protein forms E921K, E843K.
Identifiers: ClinVar variation 2934221 (VCV002934221.4), dbSNP rs2149099719, ClinGen allele CA413602625.

ClinVar aggregate classification (germline): Uncertain significance. Review status: criteria provided, multiple submitters, no conflicts (2 of 4 stars). 2 submissions from 2 submitters: Uncertain significance (2). Last evaluated 2025-11-12.

Conditions:
Menkes kinky-hair syndrome (MNK). Also called: Copper transport disease; Menkes Disease; Classic Menkes Disease. Identifiers: Orphanet 565, MedGen C0022716, MONDO:0010651, OMIM 309400.
Cutis laxa, X-linked (OHS). Also called: EDS IX; Occipital horn syndrome. Identifiers: Orphanet 198, MedGen C0268353, MONDO:0010572, OMIM 304150.
X-linked distal spinal muscular atrophy type 3. Also called: ATP7A-Related Distal Motor Neuropathy; SPINAL MUSCULAR ATROPHY, DISTAL, X-LINKED RECESSIVE; NEURONOPATHY, DISTAL HEREDITARY MOTOR, X-LINKED; NEUROPATHY, DISTAL HEREDITARY MOTOR, X-LINKED. Identifiers: Orphanet 139557, MedGen C1845359, MONDO:0010338, OMIM 300489.
Inborn genetic diseases. Identifiers: MedGen C0950123, MeSH D030342.

Submissions (2):

Ambry Genetics
Classification: Uncertain significance for Inborn genetic diseases. Last evaluated: 2025-11-12. Review status: criteria provided, single submitter. Criteria: Ambry Variant Classification Scheme 2023. Collection method: clinical testing. Allele origin: germline.

Labcorp Genetics (formerly Invitae), Labcorp
Classification: Uncertain significance for X-linked distal spinal muscular atrophy type 3; Cutis laxa, X-linked; Menkes kinky-hair syndrome. Last evaluated: 2024-01-29. Review status: criteria provided, single submitter. Criteria: Invitae Variant Classification Sherloc (09022015). Collection method: clinical testing. Allele origin: germline.
Comment: This sequence change replaces glutamic acid, which is acidic and polar, with lysine, which is basic and polar, at codon 921 of the ATP7A protein (p.Glu921Lys). This variant is not present in population databases (gnomAD no frequency). This variant has not been reported in the literature in individuals affected with ATP7A-related conditions. Advanced modeling of protein sequence and biophysical properties (such as structural, functional, and spatial information, amino acid conservation, physicochemical variation, residue mobility, and thermodynamic stability) performed at Invitae indicates that this missense variant is not expected to disrupt ATP7A protein function with a negative predictive value of 95%. In summary, the available evidence is currently insufficient to determine the role of this variant in disease. Therefore, it has been classified as a Variant of Uncertain Significance.